The following is an entry in ClinVar:

NM_177438.3(DICER1):c.3846dup (p.Ile1283fs)

Gene: DICER1 (dicer 1, ribonuclease III; minus strand). Cytogenetic location: 14q32.13.
Variant type: Duplication.
Coding change: c.3846dup on transcript NM_177438.3 (MANE Select); coding-DNA position 3846, one base duplicated (T; older notation c.3846dupT).
Protein change: p.Ile1283fs; shifts the reading frame from isoleucine 1283.
Molecular consequence: frameshift variant. On other transcripts: non-coding transcript variant (6).
Genome position (GRCh38, 1-based): chr14:95,103,550, A duplicated on the plus strand (T on the coding strand, the reverse complement: DICER1 is on the minus strand). VCF-style (leftmost placement, unchanged base first): chr14-95103549-T-TA. GRCh37 (hg19) VCF-style: chr14-95569886-T-TA.
Other names: c.3846dup, p.Ile1283fs (NM_001195573.1, NM_001271282.3, NM_001291628.2 and 12 more transcripts); c.3564dup, p.Ile1189fs (NM_001395686.1); c.3441dup, p.Ile1148fs (NM_001395687.1, NM_001395688.1, NM_001395689.1 and 2 more transcripts); c.3279dup, p.Ile1094fs (NM_001395691.1); c.2163dup, p.Ile722fs (NM_001395697.1); short protein forms I1283fs, I1094fs, I1148fs, I1189fs, I722fs.
Identifiers: ClinVar variation 4715572 (VCV004715572.1).
Genomic context (GRCh38, chr14:95,103,549, plus strand): 5'-GAGTCAAAGCCTGAAGAATAAGTCCAGGATTGGGGCCAAGAGTCCTTGAGGAGTACCCAA[T>TA]AGAAGGGCTCTGCTCAGAATCCATCCTGCCCTTGAGCACTTGAATAGTGTCTGTCGTACC-3'

ClinVar aggregate classification (germline): Pathogenic (1 of 4 stars; one submission).

Conditions:
DICER1-related tumor predisposition. Also called: DICER1 syndrome; DICER1-related pleuropulmonary blastoma cancer predisposition syndrome. Identifiers: Orphanet 284343, MedGen C3839822, MONDO:0100216.

Submission:

Labcorp Genetics (formerly Invitae), Labcorp
Classification: Pathogenic for DICER1-related tumor predisposition. Last evaluated: 2025-03-20. Review status: criteria provided, single submitter. Criteria: Invitae Variant Classification Sherloc (09022015). Collection method: clinical testing. Allele origin: germline.
Comment: This sequence change creates a premature translational stop signal (p.Ile1283Tyrfs*25) in the DICER1 gene. It is expected to result in an absent or disrupted protein product. Loss-of-function variants in DICER1 are known to be pathogenic (PMID: 19556464, 21266384). This variant is not present in population databases (gnomAD no frequency). This variant has not been reported in the literature in individuals affected with DICER1-related conditions. For these reasons, this variant has been classified as Pathogenic.

Literature cited by the submitters: PubMed 19556464; PubMed 21266384.